The following is an entry in ClinVar:

ClinVar aggregate classification (germline): Likely pathogenic (1 of 4 stars; one submission).

Conditions:
Dilated cardiomyopathy 1G (CMD1G). Identifiers: Orphanet 154, MedGen C1858763, MONDO:0011400, OMIM 604145.
Autosomal recessive limb-girdle muscular dystrophy type 2J (LGMDR10). Also called: Limb-girdle muscular dystrophy, type 2J; MUSCULAR DYSTROPHY, LIMB-GIRDLE, AUTOSOMAL RECESSIVE 10. Identifiers: Orphanet 140922, MedGen C1837342, MONDO:0012127, OMIM 608807.

Submission:

Labcorp Genetics (formerly Invitae), Labcorp
Classification: Likely pathogenic for Dilated cardiomyopathy 1G; Autosomal recessive limb-girdle muscular dystrophy type 2J. Last evaluated: 2024-08-04. Review status: criteria provided, single submitter. Criteria: Invitae Variant Classification Sherloc (09022015). Collection method: clinical testing. Allele origin: germline.
Comment: This sequence change creates a premature translational stop signal (p.Val25707Cysfs*3) in the TTN gene. While this is not anticipated to result in nonsense mediated decay, it is expected to create a truncated TTN protein. This variant is not present in population databases (gnomAD no frequency). This variant has not been reported in the literature in individuals affected with TTN-related conditions. This variant is located in the A band of TTN (PMID: 25589632). Truncating variants in this region are significantly overrepresented in patients affected with dilated cardiomyopathy (PMID: 25589632). Truncating variants in this region have also been reported in individuals affected with autosomal recessive centronuclear myopathy (PMID: 23975875). In summary, the currently available evidence indicates that the variant is pathogenic, but additional data are needed to prove that conclusively. Therefore, this variant has been classified as Likely Pathogenic.

Literature cited by the submitters: PubMed 25589632; PubMed 23975875.

NM_001267550.2(TTN):c.77118dup (p.Val25707fs)

Genes: TTN-AS1 (TTN antisense RNA 1; plus strand), TTN (titin; minus strand). Cytogenetic location: 2q31.2.
Variant type: Duplication.
Coding change: c.77118dup on transcript NM_001267550.2 (MANE Select); coding-DNA position 77118, one base duplicated (T; older notation c.77118dupT).
Protein change: p.Val25707fs; shifts the reading frame from valine 25707.
Molecular consequence: frameshift variant.
Genome position (GRCh38, 1-based): chr2:178,569,014, A duplicated on the plus strand (T on the coding strand, the reverse complement: TTN is on the minus strand). VCF-style (leftmost placement, unchanged base first): chr2-178569013-C-CA. GRCh37 (hg19) VCF-style: chr2-179433740-C-CA.
Other names: c.72195dup, p.Val24066fs (NM_001256850.1); c.49923dup, p.Val16642fs (NM_003319.4); c.69414dup, p.Val23139fs (NM_133378.4); c.50298dup, p.Val16767fs (NM_133432.3); c.50499dup, p.Val16834fs (NM_133437.4); short protein forms V16642fs, V16767fs, V16834fs, V23139fs, V24066fs, V25707fs.
Identifiers: ClinVar variation 3757523 (VCV003757523.2).